The following is an entry in ClinVar:

NM_173354.5(SIK1):c.1330A>G (p.Ile444Val)

Gene: SIK1 (salt inducible kinase 1; minus strand). Cytogenetic location: 21q22.3.
Variant type: single nucleotide variant.
Coding change: c.1330A>G on transcript NM_173354.5 (MANE Select); coding-DNA position 1330, A replaced by G.
Protein change: p.Ile444Val; replaces isoleucine 444 with valine.
Molecular consequence: missense variant.
Genome position (GRCh38, 1-based): chr21:43,419,153, T>C on the plus strand (A>G on the coding strand, the complement: SIK1 is on the minus strand). VCF-style: chr21-43419153-T-C. GRCh37 (hg19) VCF-style: chr21-44839033-T-C.
Other names: short protein forms I444V.
Identifiers: ClinVar variation 2042485 (VCV002042485.4), dbSNP rs1352384391, ClinGen allele CA410608238.

ClinVar aggregate classification (germline): Uncertain significance (1 of 4 stars; one submission).

Conditions:
Developmental and epileptic encephalopathy, 30 (DEE30). Also called: Epileptic encephalopathy, early infantile, 30. Identifiers: MedGen C4225360, MONDO:0014595, OMIM 616341.

Submission:

Labcorp Genetics (formerly Invitae), Labcorp
Classification: Uncertain significance for Developmental and epileptic encephalopathy, 30. Last evaluated: 2021-12-14. Review status: criteria provided, single submitter. Criteria: Invitae Variant Classification Sherloc (09022015). Collection method: clinical testing. Allele origin: germline.
Comment: In summary, the available evidence is currently insufficient to determine the role of this variant in disease. Therefore, it has been classified as a Variant of Uncertain Significance. This variant has not been reported in the literature in individuals affected with SIK1-related conditions. Algorithms developed to predict the effect of sequence changes on RNA splicing suggest that this variant may create or strengthen a splice site. Advanced modeling of protein sequence and biophysical properties (such as structural, functional, and spatial information, amino acid conservation, physicochemical variation, residue mobility, and thermodynamic stability) performed at Invitae indicates that this missense variant is not expected to disrupt SIK1 protein function. This variant is not present in population databases (gnomAD no frequency). This sequence change replaces isoleucine, which is neutral and non-polar, with valine, which is neutral and non-polar, at codon 444 of the SIK1 protein (p.Ile444Val).